The following is an entry in ClinVar:

ClinVar aggregate classification (germline): Uncertain significance (1 of 4 stars; one submission).

Allele frequency attached by ClinVar (database versions not stated): gnomAD 0.00001.

Submission:

Labcorp Genetics (formerly Invitae), Labcorp
Classification: Uncertain significance. Last evaluated: 2022-08-12. Review status: criteria provided, single submitter. Criteria: Invitae Variant Classification Sherloc (09022015). Collection method: clinical testing. Allele origin: germline.
Comment: In summary, the available evidence is currently insufficient to determine the role of this variant in disease. Therefore, it has been classified as a Variant of Uncertain Significance. Experimental studies and prediction algorithms are not available or were not evaluated, and the functional significance of this variant is currently unknown. This variant has not been reported in the literature in individuals affected with MAGEL2-related conditions. This sequence change replaces proline, which is neutral and non-polar, with glutamine, which is neutral and polar, at codon 491 of the MAGEL2 protein (p.Pro491Gln). This variant is not present in population databases (gnomAD no frequency).

NM_019066.5(MAGEL2):c.1472C>A (p.Pro491Gln)

Gene: MAGEL2 (MAGE family member L2; minus strand). Cytogenetic location: 15q11.2.
Variant type: single nucleotide variant.
Coding change: c.1472C>A on transcript NM_019066.5 (MANE Select); coding-DNA position 1472, C replaced by A.
Protein change: p.Pro491Gln; replaces proline 491 with glutamine.
Molecular consequence: missense variant.
Genome position (GRCh38, 1-based): chr15:23,646,271, G>T on the plus strand (C>A on the coding strand, the complement: MAGEL2 is on the minus strand). VCF-style: chr15-23646271-G-T. GRCh37 (hg19) VCF-style: chr15-23891418-G-T.
Other names: short protein forms P491Q.
Identifiers: ClinVar variation 1930534 (VCV001930534.5), dbSNP rs747533576, ClinGen allele CA391333972.